The following is an entry in ClinVar:

ClinVar aggregate classification (germline): Uncertain significance (1 of 4 stars; one submission).

Conditions:
Cardiovascular phenotype. Identifiers: MedGen CN230736.

Submission:

Ambry Genetics
Classification: Uncertain significance for Cardiovascular phenotype. Last evaluated: 2021-06-15. Review status: criteria provided, single submitter. Criteria: Ambry Variant Classification Scheme 2023. Collection method: clinical testing. Allele origin: germline.
Comment: The p.E28* variant (also known as c.82G>T), located in coding exon 1 of the HCN4 gene, results from a G to T substitution at nucleotide position 82. This changes the amino acid from a glutamic acid to a stop codon within coding exon 1. Premature stop codons are typically deleterious in nature. However, loss of function through HCN4 protein truncation has not been clearly established as a mechanism of disease. Prior studies reporting HCN4 frameshift and splice alterations did not demonstrate that channel truncation was truly pathogenic in the patients in whom the sequence alterations were identified (Schulze-Bahr E et al. J. Clin. Invest., 2003 May;111:1537-45; Ueda K et al. J. Hum. Genet., 2009 Feb;54:115-21; Schweizer PA et al. Circ Arrhythm Electrophysiol, 2010 Oct;3:542-52). Since supporting evidence is limited at this time, the clinical significance of this alteration remains unclear.

NM_005477.3(HCN4):c.82G>T (p.Glu28Ter)

Gene: HCN4 (hyperpolarization activated cyclic nucleotide gated potassium channel 4; minus strand). Cytogenetic location: 15q24.1.
Variant type: single nucleotide variant.
Coding change: c.82G>T on transcript NM_005477.3 (MANE Select); coding-DNA position 82, G replaced by T.
Protein change: p.Glu28Ter; replaces glutamic acid 28 with a stop codon.
Molecular consequence: nonsense.
Genome position (GRCh38, 1-based): chr15:73,368,189, C>A on the plus strand (G>T on the coding strand, the complement: HCN4 is on the minus strand). VCF-style: chr15-73368189-C-A. GRCh37 (hg19) VCF-style: chr15-73660530-C-A.
Other names: short protein forms E28*.
Identifiers: ClinVar variation 1762836 (VCV001762836.2), dbSNP rs867068803, ClinGen allele CA272700586.